The following is an entry in ClinVar:

ClinVar aggregate classification (germline): Pathogenic (1 of 4 stars; one submission).

Conditions:
Hereditary cancer-predisposing syndrome. Also called: Hereditary Cancer Syndrome; Hereditary neoplastic syndrome; Neoplastic Syndromes, Hereditary; Tumor predisposition. Identifiers: Orphanet 140162, MedGen C0027672, MeSH D009386, MONDO:0015356.

Submission:

Ambry Genetics
Classification: Pathogenic for Hereditary cancer-predisposing syndrome. Last evaluated: 2016-10-25. Review status: criteria provided, single submitter. Criteria: Ambry Variant Classification Scheme 2023. Collection method: clinical testing. Allele origin: germline.
Comment: The c.577delG pathogenic mutation, located in coding exon 3 of the PHOX2B gene, results from a deletion of one nucleotide at nucleotide position 577, causing a translational frameshift with a predicted alternate stop codon. The mutation was also identified in the infant's mother and sister who had Hirschprung disease but were asymptomatic of CCHS indicating variable expressivity for this alteration (Berry-Kravis EM et al, Am J Respir Crit Care Med. 2006 Nov 15;174(10):1139-44). This variant was not reported in population based cohorts in the following databases: Database of Single Nucleotide Polymorphisms (dbSNP), NHLBI Exome Sequencing Project (ESP), and 1000 Genomes Project. In the ESP, this variant was not observed in 6503 samples (13006 alleles) with coverage at this position. In addition to the clinical data presented in the literature, this alteration is expected to result in loss of function by premature protein truncation. As such, this alteration is interpreted as a disease-causing mutation.

NM_003924.4(PHOX2B):c.577del (p.Asp193fs)

Gene: PHOX2B (paired like homeobox 2B; minus strand). Cytogenetic location: 4p13.
Variant type: Deletion.
Coding change: c.577del on transcript NM_003924.4 (MANE Select); coding-DNA position 577, one base deleted (G; older notation c.577delG).
Protein change: p.Asp193fs; shifts the reading frame from aspartic acid 193.
Molecular consequence: frameshift variant.
Genome position (GRCh38, 1-based): chr4:41,746,175, C deleted on the plus strand (G on the coding strand, the reverse complement: PHOX2B is on the minus strand); the first of 2 consecutive C bases (chr4:41,746,175-41,746,176); deleting either gives the same sequence. VCF-style (leftmost placement, unchanged base first): chr4-41746174-TC-T. GRCh37 (hg19) VCF-style: chr4-41748191-TC-T.
Other names: c.577delG (NM_003924.3); short protein forms D193fs.
Identifiers: ClinVar variation 1749601 (VCV001749601.2), dbSNP rs2552096877, ClinGen allele CA2580071014.